The following is an entry in ClinVar:

NM_015100.4(POGZ):c.862C>G (p.Pro288Ala)

Gene: POGZ (pogo transposable element derived with ZNF domain; minus strand). Cytogenetic location: 1q21.3.
Variant type: single nucleotide variant.
Coding change: c.862C>G on transcript NM_015100.4 (MANE Select); coding-DNA position 862, C replaced by G.
Protein change: p.Pro288Ala; replaces proline 288 with alanine.
Molecular consequence: missense variant. On other transcripts: intron variant (2).
Genome position (GRCh38, 1-based): chr1:151,428,039, G>C on the plus strand (C>G on the coding strand, the complement: POGZ is on the minus strand). VCF-style: chr1-151428039-G-C. GRCh37 (hg19) VCF-style: chr1-151400515-G-C.
Other names: c.577C>G, p.Pro193Ala (NM_145796.4); c.703C>G, p.Pro235Ala (NM_207171.2); c.701-25C>G (NM_001194938.2); c.860-25C>G (NM_001194937.2); short protein forms P193A, P235A, P288A.
Identifiers: ClinVar variation 1308799 (VCV001308799.2), dbSNP rs2102294483, ClinGen allele CA341976996.

ClinVar aggregate classification (germline): Uncertain significance (1 of 4 stars; one submission).

Submission:

GeneDx
Classification: Uncertain significance. Last evaluated: 2019-09-27. Review status: criteria provided, single submitter. Criteria: GeneDx Variant Classification Process June 2021. Collection method: clinical testing. Allele origin: germline. Affected: yes.
Comment: Not observed in large population cohorts (Lek et al., 2016); In silico analysis, which includes protein predictors and evolutionary conservation, supports that this variant does not alter protein structure/function; Has not been previously published as pathogenic or benign to our knowledge